The following is an entry in ClinVar:

NM_001370658.1(BTD):c.1421A>G (p.Tyr474Cys)

Gene: BTD (biotinidase; plus strand). Cytogenetic location: 3p25.1.
Variant type: single nucleotide variant.
Coding change: c.1421A>G on transcript NM_001370658.1 (MANE Select); coding-DNA position 1421, A replaced by G.
Protein change: p.Tyr474Cys; replaces tyrosine 474 with cysteine.
Molecular consequence: missense variant. On other transcripts: intron variant (2).
Genome position (GRCh38, 1-based): chr3:15,645,337, A>G. VCF-style: chr3-15645337-A-G. GRCh37 (hg19) VCF-style: chr3-15686844-A-G.
Other names: c.1481A>G, p.Tyr494Cys (NM_000060.4); c.1421A>G, p.Tyr474Cys (NM_001281723.4, NM_001281724.3, NM_001281725.3 and 16 more transcripts); c.1015+406A>G (NM_001370752.1); c.399+3280A>G (NM_001370753.1); short protein forms Y474C.
Identifiers: ClinVar variation 554671 (VCV000554671.11), dbSNP rs750598655, ClinGen allele CA2277478.

ClinVar aggregate classification (germline): Uncertain significance. Review status: criteria provided, multiple submitters, no conflicts (2 of 4 stars). 4 submissions from 4 submitters: Uncertain significance (3). 1 of the submissions does not count toward it. Last evaluated 2024-06-03.

Conditions:
Biotinidase deficiency. Also called: BTD deficiency; Late-onset biotin-responsive multiple carboxylase deficiency; Biotin deficiency. Identifiers: Orphanet 79241, MedGen C0220754, MONDO:0009665, OMIM 253260.

Allele frequency attached by ClinVar (database versions not stated): gnomAD exomes below 0.00001; ExAC 0.00001; gnomAD 0.00001.
gnomAD v4.1: 14 of 1,614,170 alleles (0.00087%); highest among the groups gnomAD compares: Middle Eastern, 0.016%; no homozygotes.

Submissions (4):

Women's Health and Genetics/Laboratory Corporation of America, LabCorp
Classification: Uncertain significance. Last evaluated: 2024-06-03. Review status: criteria provided, single submitter. Criteria: LabCorp Variant Classification Summary - May 2015. Collection method: clinical testing. Allele origin: germline.
Comment: Variant summary: BTD c.1421A>G (p.Tyr474Cys) results in a non-conservative amino acid change in the encoded protein sequence. Four of five in-silico tools predict a damaging effect of the variant on protein function. The variant allele was found at a frequency of 4e-06 in 251422 control chromosomes. The available data on variant occurrences in the general population are insufficient to allow any conclusion about variant significance. c.1421A>G has been reported in the literature in the heterozygous and compound heterozygous states in individuals affected with Biotinidase Deficiency (e.g. Procter_2016, Borsatto_2017, Carvalho_2020, Yilmaz_2024). These data do not allow any conclusion about variant significance. To our knowledge, no experimental evidence demonstrating an impact on protein function has been reported. The following publications have been ascertained in the context of this evaluation (PMID: 28498829, 31801038, 26810761, 38141137). ClinVar contains an entry for this variant (Variation ID: 554671). Based on the evidence outlined above, the variant was classified as uncertain significance.

Labcorp Genetics (formerly Invitae), Labcorp
Classification: Uncertain significance for Biotinidase deficiency. Last evaluated: 2022-08-24. Review status: criteria provided, single submitter. Criteria: Invitae Variant Classification Sherloc (09022015). Collection method: clinical testing. Allele origin: germline.
Comment: This sequence change replaces tyrosine, which is neutral and polar, with cysteine, which is neutral and slightly polar, at codon 494 of the BTD protein (p.Tyr494Cys). This variant is present in population databases (rs750598655, gnomAD 0.0009%). This missense change has been observed in individual(s) with biotinidase deficiency (PMID: 26810761, 28498829; Invitae). ClinVar contains an entry for this variant (Variation ID: 554671). Algorithms developed to predict the effect of missense changes on protein structure and function (SIFT, PolyPhen-2, Align-GVGD) all suggest that this variant is likely to be disruptive. In summary, the available evidence is currently insufficient to determine the role of this variant in disease. Therefore, it has been classified as a Variant of Uncertain Significance.

Department of Pathology and Laboratory Medicine, Sinai Health System
Classification: Uncertain significance for biotinidase deficiency. Last evaluated: 2022-04-05. Review status: criteria provided, single submitter. Criteria: ACMG Guidelines, 2015. Collection method: research. Allele origin: germline.

Counsyl
Classification: Uncertain significance for Biotinidase deficiency. Last evaluated: 2017-10-31. Review status: no assertion criteria provided. Collection method: clinical testing. Allele origin: unknown. Not counted in ClinVar's aggregate classification.

Literature cited by the submitters: PubMed 26810761 (cited by 3 submitters); PubMed 28498829 (cited by 3 submitters); PubMed 31801038 (cited by Women's Health and Genetics/Laboratory Corporation of America, LabCorp); PubMed 38141137 (cited by Women's Health and Genetics/Laboratory Corporation of America, LabCorp).